The following is an entry in ClinVar:

NM_005670.4(EPM2A):c.145G>A (p.Asp49Asn)

Genes: EPM2A (EPM2A glucan phosphatase, laforin; minus strand), EPM2A-DT (EPM2A divergent transcript; plus strand), LOC129997381 (ATAC-STARR-seq lymphoblastoid silent region 17642; plus strand). Cytogenetic location: 6q24.3.
Variant type: single nucleotide variant.
Coding change: c.145G>A on transcript NM_005670.4 (MANE Select); coding-DNA position 145, G replaced by A.
Protein change: p.Asp49Asn; replaces aspartic acid 49 with asparagine.
Molecular consequence: missense variant. On other transcripts: 5 prime UTR variant (3), intron variant (1).
Genome position (GRCh38, 1-based): chr6:145,735,354, C>T on the plus strand (G>A on the coding strand, the complement: EPM2A is on the minus strand). VCF-style: chr6-145735354-C-T. GRCh37 (hg19) VCF-style: chr6-146056490-C-T.
Other names: c.145G>A, p.Asp49Asn (NM_001018041.2, NM_001360057.2, NM_001368130.1); c.-525G>A (NM_001360071.2); c.-479G>A (NM_001368129.2); c.-223G>A (NM_001368131.1); c.-114+554G>A (NM_001360064.2); c.145G>A (NM_005670.3); short protein forms D49N.
Identifiers: ClinVar variation 1016181 (VCV001016181.10), dbSNP rs1367012950, ClinGen allele CA366188225.

ClinVar aggregate classification (germline): Conflicting classifications of pathogenicity. Review status: criteria provided, conflicting classifications (1 of 4 stars). 2 submissions from 2 submitters: Uncertain significance (1); Likely benign (1). Last evaluated 2025-05-06.

Conditions:
Inborn genetic diseases. Identifiers: MedGen C0950123, MeSH D030342.
Progressive myoclonic epilepsy. Also called: Familial progressive myoclonic epilepsy; Myoclonic Epilepsies, Progressive; Myoclonus epilepsy; Progressive myoclonus epilepsy. Identifiers: Orphanet 308, Orphanet 98261, MedGen C0751778, MONDO:0020074.

Allele frequency attached by ClinVar (database versions not stated): gnomAD 0.00001; TOPMed 0.00003; gnomAD exomes 0.00005.
gnomAD v4.1: 9 of 1,301,844 alleles (0.00069%); highest among the groups gnomAD compares: East Asian, 0.018%; no homozygotes.

Submissions (2):

Ambry Genetics
Classification: Likely benign for Inborn genetic diseases. Last evaluated: 2025-05-06. Review status: criteria provided, single submitter. Criteria: Ambry Variant Classification Scheme 2023. Collection method: clinical testing. Allele origin: germline.

Labcorp Genetics (formerly Invitae), Labcorp
Classification: Uncertain significance for Progressive myoclonic epilepsy. Last evaluated: 2022-08-23. Review status: criteria provided, single submitter. Criteria: Invitae Variant Classification Sherloc (09022015). Collection method: clinical testing. Allele origin: germline.
Comment: This sequence change replaces aspartic acid, which is acidic and polar, with asparagine, which is neutral and polar, at codon 49 of the EPM2A protein (p.Asp49Asn). This variant is present in population databases (no rsID available, gnomAD 0.4%). This variant has not been reported in the literature in individuals affected with EPM2A-related conditions. ClinVar contains an entry for this variant (Variation ID: 1016181). Algorithms developed to predict the effect of missense changes on protein structure and function (SIFT, PolyPhen-2, Align-GVGD) all suggest that this variant is likely to be tolerated. In summary, the available evidence is currently insufficient to determine the role of this variant in disease. Therefore, it has been classified as a Variant of Uncertain Significance.